The following is an entry in ClinVar:

NM_198576.4(AGRN):c.5990C>T (p.Pro1997Leu)

Gene: AGRN (agrin; plus strand). Cytogenetic location: 1p36.33.
Variant type: single nucleotide variant.
Coding change: c.5990C>T on transcript NM_198576.4 (MANE Select); coding-DNA position 5990, C replaced by T.
Protein change: p.Pro1997Leu; replaces proline 1997 with leucine.
Molecular consequence: missense variant.
Genome position (GRCh38, 1-based): chr1:1,054,833, C>T. VCF-style: chr1-1054833-C-T. GRCh37 (hg19) VCF-style: chr1-990213-C-T.
Other names: c.6059C>T, p.Pro2020Leu (NM_001305275.2); c.5687C>T, p.Pro1896Leu (NM_001364727.2); short protein forms P1997L, P2020L, P1896L.
Identifiers: ClinVar variation 430302 (VCV000430302.7), dbSNP rs144091542, ClinGen allele CA510307.

ClinVar aggregate classification (germline): Uncertain significance. Review status: criteria provided, multiple submitters, no conflicts (2 of 4 stars). 3 submissions from 3 submitters: Uncertain significance (3). Last evaluated 2022-07-14.

Conditions:
Congenital myasthenic syndrome 8. Also called: Myasthenic syndrome, congenital, 8, with pre- and postsynaptic defects; MYASTHENIC SYNDROME, CONGENITAL, DUE TO AGRIN DEFICIENCY. Identifiers: Orphanet 590, MedGen C3808739, MONDO:0014052, OMIM 615120.
Inborn genetic diseases. Identifiers: MedGen C0950123, MeSH D030342.

Allele frequency attached by ClinVar (database versions not stated): gnomAD 0.00004 and 0.00005; gnomAD exomes 0.00004; ExAC 0.00005; TOPMed 0.00005; 1000 Genomes Project 30x 0.00016; 1000 Genomes Project 0.00020.
gnomAD v4.1: 114 of 1,557,850 alleles (0.0073%); highest among the groups gnomAD compares: Non-Finnish European, 0.0094%; no homozygotes.

Submissions (3):

Labcorp Genetics (formerly Invitae), Labcorp
Classification: Uncertain significance for Congenital myasthenic syndrome 8. Last evaluated: 2022-07-14. Review status: criteria provided, single submitter. Criteria: Invitae Variant Classification Sherloc (09022015). Collection method: clinical testing. Allele origin: germline.
Comment: In summary, the available evidence is currently insufficient to determine the role of this variant in disease. Therefore, it has been classified as a Variant of Uncertain Significance. Algorithms developed to predict the effect of missense changes on protein structure and function are either unavailable or do not agree on the potential impact of this missense change (SIFT: "Deleterious"; PolyPhen-2: "Possibly Damaging"; Align-GVGD: "Class C0"). ClinVar contains an entry for this variant (Variation ID: 430302). This variant has not been reported in the literature in individuals affected with AGRN-related conditions. The frequency data for this variant in the population databases is considered unreliable, as metrics indicate poor data quality at this position in the gnomAD database. This sequence change replaces proline, which is neutral and non-polar, with leucine, which is neutral and non-polar, at codon 1997 of the AGRN protein (p.Pro1997Leu).

Ambry Genetics
Classification: Uncertain significance for Inborn genetic diseases. Last evaluated: 2021-06-18. Review status: criteria provided, single submitter. Criteria: Ambry Variant Classification Scheme 2023. Collection method: clinical testing. Allele origin: germline.

GeneDx
Classification: Uncertain significance. Last evaluated: 2017-05-22. Review status: criteria provided, single submitter. Criteria: GeneDx Variant Classification (06012015). Collection method: clinical testing. Allele origin: germline. Affected: yes.
Comment: The P1997L variant has not been published as a pathogenic variant, nor has it been reported as a benign variant to our knowledge. The P1997L variant is not observed at a significant frequency in large population cohorts (Lek et al., 2016; 1000 Genomes Consortium et al., 2015; Exome Variant Server). This variant is a semi-conservative amino acid substitution, which may impact secondary protein structure as these residues differ in some properties. In silico analysis predicts this variant is probably damaging to the protein structure/function. However, this substitution occurs at a position that is not conserved, and missense variants in nearby residues have not been reported in the Human Gene Mutation Database in association with congenital myasthenia syndrome (Stenson et al., 2014).